The following is an entry in ClinVar:

NM_015047.3(EMC1):c.2498T>C (p.Val833Ala)

Genes: EMC1 (ER membrane protein complex subunit 1; minus strand), EMC1-AS1 (EMC1 antisense RNA 1; plus strand). Cytogenetic location: 1p36.13.
Variant type: single nucleotide variant.
Coding change: c.2498T>C on transcript NM_015047.3 (MANE Select); coding-DNA position 2498, T replaced by C.
Protein change: p.Val833Ala; replaces valine 833 with alanine.
Molecular consequence: missense variant.
Genome position (GRCh38, 1-based): chr1:19,222,713, A>G on the plus strand (T>C on the coding strand, the complement: EMC1 is on the minus strand). VCF-style: chr1-19222713-A-G. GRCh37 (hg19) VCF-style: chr1-19549207-A-G.
Other names: c.2495T>C, p.Val832Ala (NM_001271427.2, NM_001271428.2); c.2432T>C, p.Val811Ala (NM_001271429.2); c.2507T>C, p.Val836Ala (NM_001375820.1); c.2504T>C, p.Val835Ala (NM_001375821.1); short protein forms V835A, V811A, V833A, V832A, V836A.
Identifiers: ClinVar variation 1430869 (VCV001430869.8), dbSNP rs764903161, ClinGen allele CA652259.

ClinVar aggregate classification (germline): Uncertain significance (1 of 4 stars; one submission).

Allele frequency attached by ClinVar (database versions not stated): gnomAD exomes below 0.00001 and 0.00001; ExAC 0.00001; gnomAD 0.00003 and 0.00004; TOPMed 0.00003.
gnomAD v4.1: 12 of 1,614,020 alleles (0.00074%); highest among the groups gnomAD compares: African/African-American, 0.015%; no homozygotes.

Submission:

Labcorp Genetics (formerly Invitae), Labcorp
Classification: Uncertain significance. Last evaluated: 2025-11-08. Review status: criteria provided, single submitter. Criteria: Invitae Variant Classification Sherloc (09022015). Collection method: clinical testing. Allele origin: germline.
Comment: This sequence change replaces valine, which is neutral and non-polar, with alanine, which is neutral and non-polar, at codon 833 of the EMC1 protein (p.Val833Ala). This variant is present in population databases (rs764903161, gnomAD 0.01%). This variant has not been reported in the literature in individuals affected with EMC1-related conditions. ClinVar contains an entry for this variant (Variation ID: 1430869). Invitae Evidence Modeling of protein sequence and biophysical properties (such as structural, functional, and spatial information, amino acid conservation, physicochemical variation, residue mobility, and thermodynamic stability) indicates that this missense variant is not expected to disrupt EMC1 protein function with a negative predictive value of 80%. In summary, the available evidence is currently insufficient to determine the role of this variant in disease. Therefore, it has been classified as a Variant of Uncertain Significance.